The following is an entry in ClinVar:

NM_014159.7(SETD2):c.5633T>C (p.Phe1878Ser)

Gene: SETD2 (SET domain containing 2, histone lysine methyltransferase; minus strand). Cytogenetic location: 3p21.31.
Variant type: single nucleotide variant.
Coding change: c.5633T>C on transcript NM_014159.7 (MANE Select); coding-DNA position 5633, T replaced by C.
Protein change: p.Phe1878Ser; replaces phenylalanine 1878 with serine.
Molecular consequence: missense variant. On other transcripts: non-coding transcript variant (1).
Genome position (GRCh38, 1-based): chr3:47,084,147, A>G on the plus strand (T>C on the coding strand, the complement: SETD2 is on the minus strand). VCF-style: chr3-47084147-A-G. GRCh37 (hg19) VCF-style: chr3-47125637-A-G.
Other names: c.5501T>C, p.Phe1834Ser (NM_001349370.3); short protein forms F1878S, F1834S.
Identifiers: ClinVar variation 135205 (VCV000135205.10), dbSNP rs587778665, ClinGen allele CA162008.

ClinVar aggregate classification (germline): Uncertain significance. Review status: criteria provided, multiple submitters, no conflicts (2 of 4 stars). 6 submissions from 6 submitters: Uncertain significance (5). 1 of the submissions does not count toward it. Last evaluated 2025-01-15.

Conditions:
SETD2-related disorder.
Luscan-Lumish syndrome. Identifiers: Orphanet 597738, MedGen C4085873, MONDO:0014791, OMIM 616831.
Inborn genetic diseases. Identifiers: MedGen C0950123, MeSH D030342.

Allele frequency attached by ClinVar (database versions not stated): gnomAD exomes below 0.00001; gnomAD 0.00001; TOPMed 0.00001.
gnomAD v4.1: 4 of 1,613,988 alleles (0.00025%); highest among the groups gnomAD compares: Non-Finnish European, 0.00034%; no homozygotes.

Submissions (6):

PreventionGenetics, part of Exact Sciences
Classification: Uncertain significance for SETD2-related condition. Last evaluated: 2025-01-15. Review status: criteria provided, single submitter. Criteria: ACMG Guidelines, 2015. Collection method: clinical testing. Allele origin: germline.
Comment: The SETD2 c.5633T>C variant is predicted to result in the amino acid substitution p.Phe1878Ser. To our knowledge, this variant has not been reported in the literature or in a large population database (gnomAD), indicating this variant is rare. At this time, the clinical significance of this variant is uncertain due to the absence of conclusive functional and genetic evidence.

Ambry Genetics
Classification: Uncertain significance for Inborn genetic diseases. Last evaluated: 2024-09-26. Review status: criteria provided, single submitter. Criteria: Ambry Variant Classification Scheme 2023. Collection method: clinical testing. Allele origin: germline.

Genome-Nilou Lab
Classification: Uncertain significance for Luscan-Lumish syndrome. Last evaluated: 2022-03-15. Review status: criteria provided, single submitter. Criteria: ACMG Guidelines, 2015. Collection method: clinical testing. Allele origin: germline. Affected: no.

Baylor Genetics
Classification: Uncertain significance for Luscan-Lumish syndrome. Last evaluated: 2021-05-21. Review status: criteria provided, single submitter. Criteria: ACMG Guidelines, 2015. Collection method: clinical testing. Allele origin: unknown.

Labcorp Genetics (formerly Invitae), Labcorp
Classification: Uncertain significance for Luscan-Lumish syndrome. Last evaluated: 2020-06-26. Review status: criteria provided, single submitter. Criteria: Invitae Variant Classification Sherloc (09022015). Collection method: clinical testing. Allele origin: germline.
Comment: In summary, this variant is a rare missense change with uncertain impact on protein function. There is no indication that it causes disease, but the available evidence is currently insufficient to prove that conclusively. Therefore, it has been classified as a Variant of Uncertain Significance. Algorithms developed to predict the effect of missense changes on protein structure and function (SIFT, PolyPhen-2, Align-GVGD) all suggest that this variant is likely to be disruptive, but these predictions have not been confirmed by published functional studies. This variant is not present in population databases (ExAC no frequency) and has not been reported in the literature in individuals with a SETD2-related disease. ClinVar contains an entry for this variant (Variation ID: 135205). This sequence change replaces phenylalanine with serine at codon 1878 of the SETD2 protein (p.Phe1878Ser). The phenylalanine residue is moderately conserved and there is a large physicochemical difference between phenylalanine and serine.

ITMI
No classification provided. Condition: AllHighlyPenetrant. Last evaluated: 2013-09-19. Review status: no classification provided. Collection method: reference population. Allele origin: germline. Not counted in ClinVar's aggregate classification.
Comment: Please see associated publication for description of ethnicities

Literature cited by the submitters: PubMed 24728327 (cited by ITMI).